The following is an entry in ClinVar:

NM_000021.4(PSEN1):c.367G>A (p.Glu123Lys)

Gene: PSEN1 (presenilin 1; plus strand). Cytogenetic location: 14q24.2.
Variant type: single nucleotide variant.
Coding change: c.367G>A on transcript NM_000021.4 (MANE Select); coding-DNA position 367, G replaced by A.
Protein change: p.Glu123Lys; replaces glutamic acid 123 with lysine.
Molecular consequence: missense variant.
Genome position (GRCh38, 1-based): chr14:73,173,594, G>A. VCF-style: chr14-73173594-G-A. GRCh37 (hg19) VCF-style: chr14-73640302-G-A.
Other names: c.355G>A, p.Glu119Lys (NM_007318.3); short protein forms E123K, E119K.
Identifiers: ClinVar variation 98020 (VCV000098020.2), dbSNP rs63750378, ClinGen allele CA225010.

ClinVar aggregate classification (germline): Conflicting classifications of pathogenicity. Review status: criteria provided, conflicting classifications (1 of 4 stars). 3 submissions from 2 submitters: Pathogenic (1); Uncertain significance (1). 1 of the submissions does not count toward it. Last evaluated 2026-08-27.

Conditions:
Alzheimer disease 3 (AD3). Also called: ALZHEIMER DISEASE, FAMILIAL, 3. Identifiers: Orphanet 1020, MedGen C1843013, MONDO:0011913, OMIM 607822.
Hypertrophic cardiomyopathy. Also called: HYPERTROPHIC MYOCARDIOPATHY. Identifiers: Orphanet 217569, MedGen C0007194, MeSH D002312, MONDO:0005045, HP:0001639.

Allele frequency attached by ClinVar (database versions not stated): gnomAD 0.00001.

Submissions (3):

Clinical Genetics, Tokyo Medical University
Classification: Pathogenic for Alzheimer disease 3. Last evaluated: 2026-08-27. Review status: criteria provided, single submitter. Criteria: ACMG Guidelines, 2015. Collection method: clinical testing. Allele origin: germline. Inheritance: Autosomal dominant inheritance. Affected: no. Observed: 1 variant allele.
Comment: Missense variant (p.Glu123Lys) located within transmembrane domain 2 of presenilin 1, previously reported in families with early-onset Alzheimer disease (Yasuda et al. 1999 Arch Neurol; Cruts et al. 2012 Hum Mutat). This case raises the possibility of a broader PSEN1-associated cardiac phenotype (see case report cited below); however, a causal relationship between this variant and the cardiomyopathy/arrhythmia phenotype has not been established, and hypertrophic cardiomyopathy is therefore not entered as the condition for this classification (classified here for early-onset Alzheimer disease, consistent with prior literature).

Clinical Genetics, Tokyo Medical University
Classification: Uncertain significance for Hypertrophic cardiomyopathy. Last evaluated: 2026-08-27. Review status: criteria provided, single submitter. Criteria: ACMG Guidelines, 2015. Collection method: clinical testing. Allele origin: germline. Affected: yes. Observed: 1 variant allele.
Comment: Candidate association between PSEN1 c.367G>A (p.Glu123Lys) and hypertrophic cardiomyopathy (HCM), proposed as a novel, non-sarcomeric candidate mechanism distinct from the variant's established role in early-onset Alzheimer disease. Supportive mechanistic evidence from the literature links presenilin 1 dysfunction to impaired cardiomyocyte calcium handling, diastolic dysfunction, and DCM in other PSEN1 variants/models (independent of amyloid pathology). However, this is based on a single proband with no segregation data available (both parents had cognitive decline precluding informed consent for testing), HCM affects ~1/500 in the general population, so a coincidental co-occurrence with an unrelated (sarcomere-negative) cause of HCM cannot be excluded, and the ACMG/AMP framework for sequence variant classification is not designed to establish novel gene-disease relationships. Classified as uncertain significance for HCM pending independent replication. See case report: Intern Med Advance Publication, DOI: 10.2169/internalmedicine.7239-26.

VIB  Department of Molecular Genetics, University of Antwerp
No classification provided. Review status: no classification provided. Collection method: not provided. Allele origin: not provided. Not counted in ClinVar's aggregate classification.

Literature cited by the submitters: DOI 10.2169/internalmedicine.7239-26 (cited by Clinical Genetics, Tokyo Medical University).